The following is an entry in ClinVar:

NM_000352.6(ABCC8):c.4194C>T (p.Phe1398=)

Gene: ABCC8 (ATP binding cassette subfamily C member 8; minus strand). Cytogenetic location: 11p15.1.
Variant type: single nucleotide variant.
Coding change: c.4194C>T on transcript NM_000352.6 (MANE Select); coding-DNA position 4194, C replaced by T.
Protein change: p.Phe1398=; no amino-acid change (phenylalanine 1398 retained).
Molecular consequence: synonymous variant. On other transcripts: non-coding transcript variant (1).
Genome position (GRCh38, 1-based): chr11:17,395,856, G>A on the plus strand (C>T on the coding strand, the complement: ABCC8 is on the minus strand). VCF-style: chr11-17395856-G-A. GRCh37 (hg19) VCF-style: chr11-17417403-G-A.
Other names: c.4197C>T, p.Phe1399= (NM_001287174.3); c.4260C>T, p.Phe1420= (NM_001351295.2); c.4194C>T, p.Phe1398= (NM_001351296.2); c.4191C>T, p.Phe1397= (NM_001351297.2).
Identifiers: ClinVar variation 794422 (VCV000794422.10), dbSNP rs746249607, ClinGen allele CA5902543.

ClinVar aggregate classification (germline): Conflicting classifications of pathogenicity. Review status: criteria provided, conflicting classifications (1 of 4 stars). 3 submissions from 2 submitters: Uncertain significance (2); Likely benign (1). Last evaluated 2026-01-06.

Conditions:
Transitory neonatal diabetes mellitus. Also called: Transient neonatal diabetes mellitus. Identifiers: MedGen C0342273, MONDO:0020525, HP:0008255.
Maturity-onset diabetes of the young (MODY). Also called: Maturity onset diabetes mellitus in young. Identifiers: Orphanet 552, MedGen C0342276, MONDO:0018911, HP:0004904.

Allele frequency attached by ClinVar (database versions not stated): gnomAD 0.00001 and 0.00002; TOPMed 0.00003; gnomAD exomes 0.00006; ExAC 0.00013.
gnomAD v4.1: 21 of 1,580,256 alleles (0.0013%); highest among the groups gnomAD compares: East Asian, 0.03%; no homozygotes.

Submissions (3):

Labcorp Genetics (formerly Invitae), Labcorp
Classification: Likely benign. Last evaluated: 2026-01-06. Review status: criteria provided, single submitter. Criteria: Invitae Variant Classification Sherloc (09022015). Collection method: clinical testing. Allele origin: germline.

Clinical Genomics, Uppaluri K&H Personalized Medicine Clinic
Classification: Uncertain significance for Maturity-onset diabetes of the young. Review status: criteria provided, single submitter. Criteria: K & H Uppaluri Personalized Medicine Clinic Variant Classification & Assertion Criteria_Updated V.1. Collection method: research. Allele origin: somatic. Inheritance: Somatic mutation.
Comment: Mutations in ABCC8 gene are associated with both neonatal diabetes mellitus as well as MODY. Patients with this mutation may have a better response to sulfonylureas. However, no sufficient evidence is found to ascertain the role of this particular variant (rs746249607) in MODY yet.

Clinical Genomics, Uppaluri K&H Personalized Medicine Clinic
Classification: Uncertain significance for Transitory neonatal diabetes mellitus. Review status: criteria provided, single submitter. Criteria: K & H Uppaluri Personalized Medicine Clinic Variant Classification & Assertion Criteria_Updated V.1. Collection method: research. Allele origin: somatic. Inheritance: Somatic mutation.
Comment: Mutations in ABCC8 gene are associated with both neonatal diabetes mellitus as well as MODY. Patients with this mutation may have a better response to sulfonylureas. However, no sufficient evidence is found to ascertain the role of this particular variant (rs746249607 ) in neonatal diabetes yet.

Literature cited by the submitters: PubMed 16885549 (cited by Clinical Genomics, Uppaluri K&H Personalized Medicine Clinic); PubMed 21989597 (cited by Clinical Genomics, Uppaluri K&H Personalized Medicine Clinic); PubMed 27538677 (cited by Clinical Genomics, Uppaluri K&H Personalized Medicine Clinic); PubMed 18981553 (cited by Clinical Genomics, Uppaluri K&H Personalized Medicine Clinic); PubMed 32027066 (cited by Clinical Genomics, Uppaluri K&H Personalized Medicine Clinic); PubMed 16613899 (cited by Clinical Genomics, Uppaluri K&H Personalized Medicine Clinic); PubMed 18025408 (cited by Clinical Genomics, Uppaluri K&H Personalized Medicine Clinic); PubMed 32792356 (cited by Clinical Genomics, Uppaluri K&H Personalized Medicine Clinic).